The following is an entry in ClinVar:

ClinVar aggregate classification (germline): Uncertain significance (1 of 4 stars; one submission).

Conditions:
Epileptic encephalopathy. Identifiers: MedGen C0543888, HP:0200134.

gnomAD v4.1: 3 of 1,610,894 alleles (0.00019%); highest among the groups gnomAD compares: Non-Finnish European, 0.00025%; no homozygotes.

Submission:

Labcorp Genetics (formerly Invitae), Labcorp
Classification: Uncertain significance for Epileptic encephalopathy. Last evaluated: 2021-03-25. Review status: criteria provided, single submitter. Criteria: Invitae Variant Classification Sherloc (09022015). Collection method: clinical testing. Allele origin: germline.
Comment: This sequence change replaces glutamine with histidine at codon 1195 of the FASN protein (p.Gln1195His). The glutamine residue is moderately conserved and there is a small physicochemical difference between glutamine and histidine. In summary, the available evidence is currently insufficient to determine the role of this variant in disease. Therefore, it has been classified as a Variant of Uncertain Significance. Algorithms developed to predict the effect of missense changes on protein structure and function (SIFT, PolyPhen-2, Align-GVGD) all suggest that this variant is likely to be tolerated, but these predictions have not been confirmed by published functional studies and their clinical significance is uncertain. This variant has not been reported in the literature in individuals with FASN-related conditions. This variant is not present in population databases (ExAC no frequency).

NM_004104.5(FASN):c.3585G>C (p.Gln1195His)

Gene: FASN (fatty acid synthase; minus strand). Cytogenetic location: 17q25.3.
Variant type: single nucleotide variant.
Coding change: c.3585G>C on transcript NM_004104.5 (MANE Select); coding-DNA position 3585, G replaced by C.
Protein change: p.Gln1195His; replaces glutamine 1195 with histidine.
Molecular consequence: missense variant.
Genome position (GRCh38, 1-based): chr17:82,086,401, C>G on the plus strand (G>C on the coding strand, the complement: FASN is on the minus strand). VCF-style: chr17-82086401-C-G. GRCh37 (hg19) VCF-style: chr17-80044277-C-G.
Other names: short protein forms Q1195H.
Identifiers: ClinVar variation 1374946 (VCV001374946.8), dbSNP rs920149225, ClinGen allele CA401551824.